The following is an entry in ClinVar:

ClinVar aggregate classification (germline): Pathogenic/Likely pathogenic. Review status: criteria provided, multiple submitters, no conflicts (2 of 4 stars). 23 submissions from 23 submitters: Pathogenic (20); Likely pathogenic (1). 2 of the submissions do not count toward it. Last evaluated 2026-09-16.

Conditions:
Rare genetic deafness. Identifiers: Orphanet 96210, MedGen C5680250.
TMPRSS3-related disorder. Also called: TMPRSS3-related condition.
Monogenic hearing loss.
Autosomal recessive nonsyndromic hearing loss 8 (DFNB8). Also called: Deafness, autosomal recessive 10; NEUROSENSORY NONSYNDROMIC RECESSIVE DEAFNESS 8. Identifiers: Orphanet 90636, MedGen C1832827, MONDO:0010987, OMIM 601072.
Hearing impairment. Also called: Impaired Hearing. Identifiers: MedGen C1384666, MONDO:0005365, HP:0000365.

Allele frequency attached by ClinVar (database versions not stated): ExAC 0.00017; 1000 Genomes Project 0.00020; gnomAD exomes 0.00022 and 0.00014; gnomAD 0.00019; TOPMed 0.00011; 1000 Genomes Project 30x 0.00016.
gnomAD v4.1: 336 of 1,614,172 alleles (0.021%); highest among the groups gnomAD compares: East Asian, 0.04%; no homozygotes.

Submissions 1 to 11 of 23:

Institute of Rare Diseases, West China Hospital, Sichuan University
Classification: Pathogenic for Autosomal recessive nonsyndromic hearing loss 8. Last evaluated: 2026-09-16. Review status: criteria provided, single submitter. Criteria: ClinGen HL ACMG Specifications v1. Collection method: research. Allele origin: germline. Affected: yes.
Comment: NM_001256317.3:c.916G>A (p.Ala306Thr) is a missense variant in exon 9 of TMPRSS3, located in the trypsin-like serine protease domain adjacent to the Asp304 catalytic residue. A different missense change at the same codon (chr21:42382100:G>T;chr21:42382100:G>A) has been classified as high-certainty Pathogenic in ClinVar(PM5_Moderate). The variant co-segregated with autosomal recessive nonsyndromic hearing loss in >10 affected relatives across >5 families (SCV000063052.7) and in additional families with demonstrated co-segregation (SCV000915954.1;PMID:24526180,PMID:28205611) (PP1_Strong). It has been reported in trans with or homozygous for pathogenic/likely-pathogenic TMPRSS3 variants (e.g., c.1276G>A) in ≥4 independent probands (SCV002120418.5,SCV002572748.3, SCV001745849.2, SCV001792228.1)(PM3_VeryStrong). The maximal gnomAD v4 allele frequency is 0.04%, below the gene-specific PM2 threshold of 0.249% (PM2_Supporting). An in vitro yeast-based protease assay showed significantly reduced proteolytic activity compared to wild-type, consistent with proximity to the Asp304 active site (PMID:24526180)(PS3_Moderate). TMPRSS3 has a high pathogenic:benign missense ratio (60:18), missense Z-score >3.09, and missense is a common disease mechanism for this gene (PP2_Supporting). Aggregated in silico score is 0.858 (pathogenic moderate range) ( PP3). ACMG classification: Pathogenic.

Genetics Laboratory, Great Ormond Street Hospital NHS Foundation Trust, North Thames Genomic Laboratory Hub
Classification: Pathogenic for Monogenic hearing loss. Last evaluated: 2026-08-19. Review status: criteria provided, single submitter. Criteria: ACGS Best Practice Guidelines for Variant Classification in Rare Disease 2024 v1.2. Collection method: clinical testing. Allele origin: germline. Affected: yes.
Comment: PM2_moderate, PP3_supporting, PP1_strong, PM3_strong

PreventionGenetics, part of Exact Sciences
Classification: Pathogenic for TMPRSS3-related condition. Last evaluated: 2026-07-13. Review status: criteria provided, single submitter. Criteria: ACMG Guidelines, 2015. Collection method: clinical testing. Allele origin: germline.
Comment: The TMPRSS3 c.916G>A variant is predicted to result in the amino acid substitution p.Ala306Thr. This variant has been reported in the compound heterozygous state in several individuals with hearing loss (Elbracht et al. 2007. PubMed ID: 17551081; Gao et al. 2017. PubMed ID: 28246597; Table S2, Guan et al. 2021. PubMed ID: 34416374). This variant is reported in 0.060% of alleles in individuals of East Asian descent in gnomAD. This variant is interpreted as pathogenic.

Victorian Clinical Genetics Services, Murdoch Childrens Research Institute
Classification: Pathogenic for Autosomal recessive nonsyndromic hearing loss 8. Last evaluated: 2026-04-13. Review status: criteria provided, single submitter. Criteria: ACMG Guidelines, 2015. Collection method: clinical testing. Allele origin: germline. Affected: yes.
Comment: This variant is classified as Pathogenic. Evidence in support of pathogenic classification: Variant is present in gnomAD <0.01 for a recessive condition (v4: 336 heterozygote(s), 0 homozygote(s)); This variant has strong previous evidence of pathogenicity in unrelated individuals. This variant has been classified many times as likely pathogenic or pathogenic by clinical laboratories in ClinVar, and observed in a compound heterozygous state in multiple individuals with hearing loss (PMID: 34599368, PMID: 37331337); Missense variant predicted to be damaging by in silico tool(s) or highly conserved with a major amino acid change. Additional information: Variant is predicted to result in a missense amino acid change from Ala to Thr; This variant is heterozygous; This gene is associated with autosomal recessive disease; Alternative amino acid change(s) at the same position are present in gnomAD (highest allele count: v4: 9 heterozygote(s), 0 homozygote(s)); Variant is located in the annotated trypsin domain (DECIPHER); Loss of function is a known mechanism of disease in this gene and is associated with deafness, autosomal recessive 8/10 (MIM#601072); Inheritance information for this variant is not currently available in this individual.

Women's Health and Genetics/Laboratory Corporation of America, LabCorp
Classification: Pathogenic for Autosomal recessive nonsyndromic hearing loss 8. Last evaluated: 2026-03-11. Review status: criteria provided, single submitter. Criteria: LabCorp Variant Classification Summary - May 2015. Collection method: clinical testing. Allele origin: germline.
Comment: Variant summary: TMPRSS3 c.916G>A (p.Ala306Thr) results in a non-conservative amino acid change in the encoded protein sequence. Algorithms developed to predict the effect of missense changes on protein structure and function all suggest that this variant is likely to be disruptive. The variant allele was found at a frequency of 0.00014 in 249060 control chromosomes. This frequency is not significantly higher than estimated for disease-causing variants in TMPRSS3, allowing no conclusion about variant significance. c.916G>A has been observed in multiple individuals affected with Autosomal Recessive Deafness and has been found to segregate within several families (e.g. Elbracht_2007, Gao_2017, Batissoco_2022). These data indicate that the variant is very likely to be associated with disease. The following publications have been ascertained in the context of this evaluation (PMID: 17551081, 28246597, 34599368). ClinVar contains an entry for this variant (Variation ID: 46131). Based on the evidence outlined above, the variant was classified as pathogenic.

Medical and Scientific Branch, Hong Kong Genome Institute
Classification: Pathogenic for Autosomal recessive nonsyndromic hearing loss 8. Last evaluated: 2026-01-26. Review status: criteria provided, single submitter. Criteria: ACMG Guidelines, 2015. Collection method: clinical testing. Allele origin: maternal. Affected: yes.

Institute of Human Genetics, University of Leipzig Medical Center
Classification: Pathogenic for Autosomal recessive nonsyndromic hearing loss 8. Last evaluated: 2025-11-06. Review status: criteria provided, single submitter. Criteria: ACMG Guidelines, 2015. Collection method: clinical testing. Allele origin: unknown. Inheritance: Autosomal recessive inheritance. Affected: yes.
Comment: Criteria applied: PM3_VSTR,PM2,PM5,PM1_SUP,PP1,PP3

GeneDx
Classification: Pathogenic. Last evaluated: 2025-08-06. Review status: criteria provided, single submitter. Criteria: GeneDx Variant Classification Process June 2021. Collection method: clinical testing. Allele origin: germline. Affected: yes.
Comment: Published functional studies suggest a significant defect in protease activity compared to wild type (PMID: 24526180); In silico analysis supports that this missense variant has a deleterious effect on protein structure/function; This variant is associated with the following publications: (PMID: 34416374, 21786053, 23958653, 17551081, 31045651, 31980526, 31589614, 35961784, 35062939, 34599368, 34868270, 28695016, 34519870, 24526180, 23208854, 36871673, 34599366, 22975204, 37147621, 31541171, 32238869, 34440452, 38102706, 34753855, 38819271, 31581539, 37244253, 38691166, 28246597)

CeGaT Center for Human Genetics Tuebingen
Classification: Pathogenic. Last evaluated: 2025-06-01. Review status: criteria provided, single submitter. Criteria: CeGaT Center For Human Genetics Tuebingen Variant Classification Criteria Version 2. Collection method: clinical testing. Allele origin: germline. Affected: yes. Observed: 4 variant alleles.
Comment: TMPRSS3: PM3:Very Strong, PP1:Strong, PM2

Blueprint Genetics
Classification: Pathogenic for TMPRSS3-related disorders. Last evaluated: 2024-11-01. Review status: criteria provided, single submitter. Criteria: ACMG Guidelines, 2015. Collection method: clinical testing. Allele origin: germline. Affected: yes. Observed: 5 variant alleles.

Laboratory of Prof. Karen Avraham, Tel Aviv University
Classification: Pathogenic for Autosomal recessive nonsyndromic hearing loss 8. Last evaluated: 2024-06-10. Review status: criteria provided, single submitter. Criteria: ACMG Guidelines, 2015. Collection method: research. Allele origin: germline. Affected: yes. Observed: 1 variant allele.
Comment: Pathogenic by Deafness Variation Datatbase

DFNB8; profound HL

NM_001256317.3(TMPRSS3):c.916G>A (p.Ala306Thr)

Gene: TMPRSS3 (transmembrane serine protease 3; minus strand). Cytogenetic location: 21q22.3.
Variant type: single nucleotide variant.
Coding change: c.916G>A on transcript NM_001256317.3 (MANE Select); coding-DNA position 916, G replaced by A.
Protein change: p.Ala306Thr; replaces alanine 306 with threonine.
Molecular consequence: missense variant.
Genome position (GRCh38, 1-based): chr21:42,382,101, C>T on the plus strand (G>A on the coding strand, the complement: TMPRSS3 is on the minus strand). VCF-style: chr21-42382101-C-T. GRCh37 (hg19) VCF-style: chr21-43802210-C-T.
Other names: c.916G>A, p.Ala306Thr (NM_024022.4, NM_032405.2); c.535G>A, p.Ala179Thr (NM_032404.3); c.916G>A (NM_024022.3); short protein forms A306T, A179T.
Identifiers: ClinVar variation 46131 (VCV000046131.67), dbSNP rs181949335, ClinGen allele CA261820.